The following is an entry in ClinVar:

NM_000465.4(BARD1):c.1189T>G (p.Ser397Ala)

Gene: BARD1 (BRCA1 associated RING domain 1; minus strand). Cytogenetic location: 2q35.
Variant type: single nucleotide variant.
Coding change: c.1189T>G on transcript NM_000465.4 (MANE Select); coding-DNA position 1189, T replaced by G.
Protein change: p.Ser397Ala; replaces serine 397 with alanine.
Molecular consequence: missense variant. On other transcripts: non-coding transcript variant (2), intron variant (3).
Genome position (GRCh38, 1-based): chr2:214,780,685, A>C on the plus strand (T>G on the coding strand, the complement: BARD1 is on the minus strand). VCF-style: chr2-214780685-A-C. GRCh37 (hg19) VCF-style: chr2-215645409-A-C.
Other names: c.1132T>G, p.Ser378Ala (NM_001282543.2); c.159-28130T>G (NM_001282548.2); c.215+16376T>G (NM_001282545.2); c.364+11612T>G (NM_001282549.2); short protein forms S397A, S378A.
Identifiers: ClinVar variation 2133338 (VCV002133338.5), dbSNP rs2469502432, ClinGen allele CA350453809.

ClinVar aggregate classification (germline): Uncertain significance. Review status: criteria provided, multiple submitters, no conflicts (2 of 4 stars). 2 submissions from 2 submitters: Uncertain significance (2). Last evaluated 2024-03-06.

Conditions:
Familial cancer of breast. Also called: Hereditary breast cancer; BREAST CANCER, FAMILIAL; hereditary breast carcinoma. Identifiers: Orphanet 227535, MedGen C0346153, MONDO:0016419, OMIM 114480. Disease mechanism: loss of function.
Hereditary cancer-predisposing syndrome. Also called: Hereditary neoplastic syndrome; Hereditary Cancer Syndrome; Tumor predisposition; Neoplastic Syndromes, Hereditary. Identifiers: Orphanet 140162, MedGen C0027672, MeSH D009386, MONDO:0015356.

Submissions (2):

Color Diagnostics, LLC DBA Color Health
Classification: Uncertain significance for Hereditary cancer-predisposing syndrome. Last evaluated: 2024-03-06. Review status: criteria provided, single submitter. Criteria: ACMG Guidelines, 2015. Collection method: clinical testing. Allele origin: germline.
Comment: This missense variant replaces serine with alanine at codon 397 of the BARD1 protein. Computational prediction suggests that this variant may not impact protein structure and function (internally defined REVEL score threshold <= 0.5, PMID: 27666373). To our knowledge, functional studies have not been reported for this variant. This variant has not been reported in individuals affected with BARD1-related disorders in the literature. This variant has not been identified in the general population by the Genome Aggregation Database (gnomAD). The available evidence is insufficient to determine the role of this variant in disease conclusively. Therefore, this variant is classified as a Variant of Uncertain Significance.

Labcorp Genetics (formerly Invitae), Labcorp
Classification: Uncertain significance for Familial cancer of breast. Last evaluated: 2022-08-04. Review status: criteria provided, single submitter. Criteria: Invitae Variant Classification Sherloc (09022015). Collection method: clinical testing. Allele origin: germline.
Comment: In summary, the available evidence is currently insufficient to determine the role of this variant in disease. Therefore, it has been classified as a Variant of Uncertain Significance. Algorithms developed to predict the effect of missense changes on protein structure and function (SIFT, PolyPhen-2, Align-GVGD) all suggest that this variant is likely to be tolerated. This variant has not been reported in the literature in individuals affected with BARD1-related conditions. This variant is not present in population databases (gnomAD no frequency). This sequence change replaces serine, which is neutral and polar, with alanine, which is neutral and non-polar, at codon 397 of the BARD1 protein (p.Ser397Ala).